The following is an entry in ClinVar:

NM_006019.4(TCIRG1):c.2142G>A (p.Met714Ile)

Gene: TCIRG1 (T cell immune regulator 1, ATPase H+ transporting V0 subunit a3; plus strand). Cytogenetic location: 11q13.2.
Variant type: single nucleotide variant.
Coding change: c.2142G>A on transcript NM_006019.4 (MANE Select); coding-DNA position 2142, G replaced by A.
Protein change: p.Met714Ile; replaces methionine 714 with isoleucine.
Molecular consequence: missense variant.
Genome position (GRCh38, 1-based): chr11:68,050,160, G>A. VCF-style: chr11-68050160-G-A. GRCh37 (hg19) VCF-style: chr11-67817627-G-A.
Other names: c.1248G>A, p.Met416Ile (NM_001351059.2); c.1494G>A, p.Met498Ile (NM_006053.4); short protein forms M714I, M498I, M416I.
Identifiers: ClinVar variation 3657437 (VCV003657437.2).

ClinVar aggregate classification (germline): Uncertain significance (1 of 4 stars; one submission).

Submission:

Labcorp Genetics (formerly Invitae), Labcorp
Classification: Uncertain significance. Last evaluated: 2024-06-22. Review status: criteria provided, single submitter. Criteria: Invitae Variant Classification Sherloc (09022015). Collection method: clinical testing. Allele origin: germline.
Comment: This sequence change replaces methionine, which is neutral and non-polar, with isoleucine, which is neutral and non-polar, at codon 714 of the TCIRG1 protein (p.Met714Ile). This variant is not present in population databases (gnomAD no frequency). This variant has not been reported in the literature in individuals affected with TCIRG1-related conditions. Advanced modeling of protein sequence and biophysical properties (such as structural, functional, and spatial information, amino acid conservation, physicochemical variation, residue mobility, and thermodynamic stability) performed at Invitae indicates that this missense variant is not expected to disrupt TCIRG1 protein function with a negative predictive value of 80%. In summary, the available evidence is currently insufficient to determine the role of this variant in disease. Therefore, it has been classified as a Variant of Uncertain Significance.